The following is an entry in ClinVar:

NM_000528.4(MAN2B1):c.2767G>T (p.Val923Leu)

Gene: MAN2B1 (mannosidase alpha class 2B member 1; minus strand). Cytogenetic location: 19p13.13.
Variant type: single nucleotide variant.
Coding change: c.2767G>T on transcript NM_000528.4 (MANE Select); coding-DNA position 2767, G replaced by T.
Protein change: p.Val923Leu; replaces valine 923 with leucine.
Molecular consequence: missense variant.
Genome position (GRCh38, 1-based): chr19:12,647,496, C>A on the plus strand (G>T on the coding strand, the complement: MAN2B1 is on the minus strand). VCF-style: chr19-12647496-C-A. GRCh37 (hg19) VCF-style: chr19-12758310-C-A.
Other names: c.2767G>T (NM_000528.3); c.2764G>T, p.Val922Leu (NM_001173498.2); short protein forms V922L, V923L.
Identifiers: ClinVar variation 1037787 (VCV001037787.3), dbSNP rs755553683, ClinGen allele CA404237838.

ClinVar aggregate classification (germline): Uncertain significance. Review status: criteria provided, multiple submitters, no conflicts (2 of 4 stars). 2 submissions from 2 submitters: Uncertain significance (2). Last evaluated 2025-05-06.

Conditions:
Inborn genetic diseases. Identifiers: MedGen C0950123, MeSH D030342.
Deficiency of alpha-mannosidase (MANSA). Also called: Mannosidosis, alpha-, types I and II; LYSOSOMAL ALPHA-D-MANNOSIDASE DEFICIENCY; Alpha-Mannosidosis. Identifiers: Orphanet 61, MedGen C0024748, MONDO:0009561, OMIM 248500.

gnomAD v4.1: 7 of 1,614,248 alleles (0.00043%); highest among the groups gnomAD compares: Admixed American, 0.0017%; no homozygotes.

Submissions (2):

Ambry Genetics
Classification: Uncertain significance for Inborn genetic diseases. Last evaluated: 2025-05-06. Review status: criteria provided, single submitter. Criteria: Ambry Variant Classification Scheme 2023. Collection method: clinical testing. Allele origin: germline.

Labcorp Genetics (formerly Invitae), Labcorp
Classification: Uncertain significance for Deficiency of alpha-mannosidase. Last evaluated: 2022-11-01. Review status: criteria provided, single submitter. Criteria: Invitae Variant Classification Sherloc (09022015). Collection method: clinical testing. Allele origin: germline.
Comment: This sequence change replaces valine, which is neutral and non-polar, with leucine, which is neutral and non-polar, at codon 923 of the MAN2B1 protein (p.Val923Leu). This variant is present in population databases (no rsID available, gnomAD 0.003%). This variant has not been reported in the literature in individuals affected with MAN2B1-related conditions. ClinVar contains an entry for this variant (Variation ID: 1037787). Advanced modeling of protein sequence and biophysical properties (such as structural, functional, and spatial information, amino acid conservation, physicochemical variation, residue mobility, and thermodynamic stability) performed at Invitae indicates that this missense variant is not expected to disrupt MAN2B1 protein function. In summary, the available evidence is currently insufficient to determine the role of this variant in disease. Therefore, it has been classified as a Variant of Uncertain Significance.